The following is an entry in ClinVar:

ClinVar aggregate classification (germline): Uncertain significance. Review status: criteria provided, multiple submitters, no conflicts (2 of 4 stars). 2 submissions from 2 submitters: Uncertain significance (2). Last evaluated 2025-06-18.

Conditions:
Inborn genetic diseases. Identifiers: MedGen C0950123, MeSH D030342.

Allele frequency attached by ClinVar (database versions not stated): TOPMed 0.00001; gnomAD exomes 0.00002; 1000 Genomes Project 30x 0.00016; gnomAD 0.00003; ExAC 0.00013.
gnomAD v4.1: 38 of 1,570,004 alleles (0.0024%); highest among the groups gnomAD compares: Middle Eastern, 0.033%; no homozygotes.

Submissions (2):

Labcorp Genetics (formerly Invitae), Labcorp
Classification: Uncertain significance. Last evaluated: 2025-06-18. Review status: criteria provided, single submitter. Criteria: Invitae Variant Classification Sherloc (09022015). Collection method: clinical testing. Allele origin: germline.
Comment: This sequence change replaces arginine, which is basic and polar, with glutamine, which is neutral and polar, at codon 442 of the SEPT9 protein (p.Arg442Gln). This variant is present in population databases (rs750371718, gnomAD 0.02%). This variant has not been reported in the literature in individuals affected with SEPT9-related conditions. ClinVar contains an entry for this variant (Variation ID: 2991673). An algorithm developed to predict the effect of missense changes on protein structure and function (PolyPhen-2) suggests that this variant is likely to be disruptive. In summary, the available evidence is currently insufficient to determine the role of this variant in disease. Therefore, it has been classified as a Variant of Uncertain Significance.

Ambry Genetics
Classification: Uncertain significance for Inborn genetic diseases. Last evaluated: 2025-03-28. Review status: criteria provided, single submitter. Criteria: Ambry Variant Classification Scheme 2023. Collection method: clinical testing. Allele origin: germline.

NM_001113491.2(SEPTIN9):c.1379G>A (p.Arg460Gln)

Gene: SEPTIN9 (septin 9; plus strand). Cytogenetic location: 17q25.3.
Variant type: single nucleotide variant.
Coding change: c.1379G>A on transcript NM_001113491.2 (MANE Select); coding-DNA position 1379, G replaced by A.
Protein change: p.Arg460Gln; replaces arginine 460 with glutamine.
Molecular consequence: missense variant.
Genome position (GRCh38, 1-based): chr17:77,490,858, G>A. VCF-style: chr17-77490858-G-A. GRCh37 (hg19) VCF-style: chr17-75486940-G-A.
Other names: c.887G>A, p.Arg296Gln (NM_001113492.2, NM_001113494.1); c.1358G>A, p.Arg453Gln (NM_001113493.2); c.626G>A, p.Arg209Gln (NM_001113495.2, NM_001113496.2, NM_001293697.2 and 1 more transcripts); c.1322G>A, p.Arg441Gln (NM_001293695.2); c.707G>A, p.Arg236Gln (NM_001293696.2); c.1325G>A, p.Arg442Gln (NM_006640.5); c.1325G>A (NM_006640.4); short protein forms R453Q, R209Q, R236Q, R296Q, R442Q, R460Q, R441Q.
Identifiers: ClinVar variation 2991673 (VCV002991673.4), dbSNP rs750371718, ClinGen allele CA8793768.